The following is an entry in ClinVar:

NM_001386795.1(DTNA):c.1085+8C>T

Gene: DTNA (dystrobrevin alpha; plus strand). Cytogenetic location: 18q12.1.
Variant type: single nucleotide variant.
Coding change: c.1085+8C>T on transcript NM_001386795.1 (MANE Select); 8 bases into the intron after coding-DNA position 1085, C replaced by T.
Molecular consequence: intron variant.
Genome position (GRCh38, 1-based): chr18:34,827,684, C>T. VCF-style: chr18-34827684-C-T. GRCh37 (hg19) VCF-style: chr18-32407648-C-T.
Other names: c.1094+8C>T (NM_032975.4, NM_001386761.1, NM_001386762.1 and 5 more transcripts); c.1085+8C>T (NM_001386754.1, NM_001386755.1, NM_001386760.1 and 26 more transcripts); c.603+15571C>T (NM_001198945.2); c.335+8C>T (NM_001198943.1); c.131+8C>T (NM_001198942.1, NM_001198944.1, NM_032980.4 and 1 more transcripts).
Identifiers: ClinVar variation 4688357 (VCV004688357.1).

ClinVar aggregate classification (germline): Likely benign (1 of 4 stars; one submission).

gnomAD v4.1: 1 of 1,612,166 alleles (0.000062%); highest among the groups gnomAD compares: Non-Finnish European, 0.000085%; no homozygotes.

Submission:

Women's Health and Genetics/Laboratory Corporation of America, LabCorp
Classification: Likely benign. Last evaluated: 2025-12-30. Review status: criteria provided, single submitter. Criteria: LabCorp Variant Classification Summary - May 2015. Collection method: clinical testing. Allele origin: germline.
Comment: Variant summary: DTNA c.1094+8C>T alters a non-conserved nucleotide located at a position not widely known to affect splicing. Consensus agreement among computation tools predict no significant impact on normal splicing. However, these predictions have yet to be confirmed by functional studies. The variant was absent in 251324 control chromosomes. The available data on variant occurrences in the general population are insufficient to allow any conclusion about variant significance. To our knowledge, no occurrence of c.1094+8C>T in individuals affected with DTNA-related conditions and no experimental evidence demonstrating its impact on protein function have been reported. No submitters have cited clinical-significance assessments for this variant to ClinVar. Based on the evidence outlined above, the variant was classified as likely benign.